The following is an entry in ClinVar:

NM_003970.4(MYOM2):c.973G>T (p.Glu325Ter)

Gene: MYOM2 (myomesin 2; plus strand). Cytogenetic location: 8p23.3.
Variant type: single nucleotide variant.
Coding change: c.973G>T on transcript NM_003970.4 (MANE Select); coding-DNA position 973, G replaced by T.
Protein change: p.Glu325Ter; replaces glutamic acid 325 with a stop codon.
Molecular consequence: nonsense.
Genome position (GRCh38, 1-based): chr8:2,073,353, G>T. VCF-style: chr8-2073353-G-T. GRCh37 (hg19) VCF-style: chr8-2021433-G-T.
Other names: short protein forms E325*.
Identifiers: ClinVar variation 4850559 (VCV004850559.1).
Genomic context (GRCh38, chr8:2,073,353, plus strand): 5'-CTGGGGTGATTTTGGATGCAAACCTTCCGTGTTAACGCTCTTTCAGACGTGCTGTTGAAA[G>T]AGTCCAAGTGGACGAAGATGTTCTTTGGAGAAGGCCAGGCCTCCCTGTCCTTCAGCCACC-3'

ClinVar aggregate classification (germline): Likely pathogenic (1 of 4 stars; one submission).

Conditions:
Sudden cardiac death (SCD). Also called: Sudden adult death syndrome. Identifiers: MedGen C0085298, MeSH D016757, HP:0001645.

gnomAD v4.1: 2 of 1,608,540 alleles (0.00012%); highest among the groups gnomAD compares: Non-Finnish European, 0.00017%; no homozygotes.

Submission:

Petrovsky National Research Centre of Surgery, The Federal Agency for Scientific Organizations
Classification: Likely pathogenic for Sudden cardiac death. Last evaluated: 2026-05-06. Review status: criteria provided, single submitter. Criteria: ACMG Guidelines, 2015. Collection method: clinical testing. Allele origin: germline. Observed: 1 variant allele, 1 heterozygote.
Comment: The variant is in The Genome Aggregation Database (gnomAD) v4.1.0 with a total MAF 0.000001243. (Date of access 2026-04-24). In accordance with ACMG (2015) criteria this variant is classified as Likely pathogenic with following criteria selected: PVS1, PM2.